The following is an entry in ClinVar:

ClinVar aggregate classification (germline): Likely pathogenic (1 of 4 stars; one submission).

Conditions:
Cyclical neutropenia. Also called: Cyclic Neutropenia; Cyclic hematopoiesis. Identifiers: Orphanet 2686, MedGen C0221023, MONDO:0008090, OMIM 162800, HP:0040289. Disease mechanism: loss of function.
Neutropenia, severe congenital, 1, autosomal dominant. Identifiers: MedGen C1859966, MONDO:0042490, OMIM 202700.

Submission:

Labcorp Genetics (formerly Invitae), Labcorp
Classification: Likely pathogenic for Neutropenia, severe congenital, 1, autosomal dominant; Cyclical neutropenia. Last evaluated: 2024-09-16. Review status: criteria provided, single submitter. Criteria: Invitae Variant Classification Sherloc (09022015). Collection method: clinical testing. Allele origin: germline.
Comment: This sequence change creates a premature translational stop signal (p.Gly200Argfs*18) in the ELANE gene. While this is not anticipated to result in nonsense mediated decay, it is expected to disrupt the last 68 amino acid(s) of the ELANE protein. This variant is not present in population databases (gnomAD no frequency). This premature translational stop signal has been observed in individual(s) with neutropenia (internal data). In at least one individual the variant was observed to be de novo. ClinVar contains an entry for this variant (Variation ID: 2004561). In summary, the currently available evidence indicates that the variant is pathogenic, but additional data are needed to prove that conclusively. Therefore, this variant has been classified as Likely Pathogenic.

NM_001972.4(ELANE):c.581_597dup (p.Gly200fs)

Gene: ELANE (elastase, neutrophil expressed; plus strand). Cytogenetic location: 19p13.3.
Variant type: Duplication.
Coding change: c.581_597dup on transcript NM_001972.4 (MANE Select); coding-DNA positions 581 to 597, 17 bases duplicated (AGGCCGGCGTCTGTTTC).
Protein change: p.Gly200fs; shifts the reading frame from glycine 200.
Molecular consequence: frameshift variant.
Genome position (GRCh38, 1-based): chr19:855,778-855,794, AGGCCGGCGTCTGTTTC duplicated; duplicating any 17 consecutive bases within chr19:855,777-855,794 gives the same sequence; the c. name uses the placement nearest the transcript's 3' end. VCF-style (leftmost placement, unchanged base first): chr19-855776-G-GCAGGCCGGCGTCTGTTT. GRCh37 (hg19) VCF-style: chr19-855776-G-GCAGGCCGGCGTCTGTTT.
Other names: short protein forms G200fs.
Identifiers: ClinVar variation 2004561 (VCV002004561.4), dbSNP rs2512168691, ClinGen allele CA2580096965.